The following is an entry in ClinVar:

NM_001206979.2(NR1H4):c.1079-10del

Gene: NR1H4 (nuclear receptor subfamily 1 group H member 4; plus strand). Cytogenetic location: 12q23.1.
Variant type: Deletion.
Coding change: c.1079-10del on transcript NM_001206979.2 (MANE Select); 10 bases into the intron before coding-DNA position 1079, one base deleted (T; older notation c.1079-10delT).
Molecular consequence: intron variant.
Genome position (GRCh38, 1-based): chr12:100,561,875, T deleted; the last of 3 consecutive T bases (chr12:100,561,873-100,561,875); deleting any one gives the same sequence. VCF-style (leftmost placement, unchanged base first): chr12-100561872-CT-C. GRCh37 (hg19) VCF-style: chr12-100955650-CT-C.
Other names: c.1079-10del (NM_001206977.2); c.1067-10del (NM_005123.4); c.926-10del (NM_001206978.2); c.1109-10del (NM_001206993.2); c.1097-10del (NM_001206992.2).
Identifiers: ClinVar variation 4977841 (VCV004977841.1).

ClinVar aggregate classification (germline): Likely benign (1 of 4 stars; one submission).

Conditions:
NR1H4-related disorder. Also called: NR1H4-related condition.

Submission:

PreventionGenetics, part of Exact Sciences
Classification: Likely benign for NR1H4-related condition. Last evaluated: 2025-08-07. Review status: criteria provided, single submitter. Criteria: ACMG Guidelines, 2015. Collection method: clinical testing. Allele origin: germline.
Comment: This variant is classified as likely benign based on ACMG/AMP sequence variant interpretation guidelines (Richards et al. 2015 PMID: 25741868, with internal and published modifications).